The following is an entry in ClinVar:

ClinVar aggregate classification (germline): Uncertain significance (1 of 4 stars; one submission).

Submission:

GeneDx
Classification: Uncertain significance. Last evaluated: 2025-06-11. Review status: criteria provided, single submitter. Criteria: GeneDx Variant Classification Process June 2021. Collection method: clinical testing. Allele origin: germline. Affected: yes.
Comment: Not observed at significant frequency in large population cohorts (gnomAD); In silico analysis supports that this missense variant has a deleterious effect on protein structure/function; Has not been previously published as pathogenic or benign to our knowledge

NM_015015.3(KDM4B):c.125G>C (p.Arg42Pro)

Gene: KDM4B (lysine demethylase 4B; plus strand). Cytogenetic location: 19p13.3.
Variant type: single nucleotide variant.
Coding change: c.125G>C on transcript NM_015015.3 (MANE Select); coding-DNA position 125, G replaced by C.
Protein change: p.Arg42Pro; replaces arginine 42 with proline.
Molecular consequence: missense variant.
Genome position (GRCh38, 1-based): chr19:5,033,015, G>C. VCF-style: chr19-5033015-G-C. GRCh37 (hg19) VCF-style: chr19-5033026-G-C.
Other names: c.125G>C, p.Arg42Pro (NM_001370093.1, NM_001370094.1, NM_001411148.1); short protein forms R42P.
Identifiers: ClinVar variation 4538022 (VCV004538022.1).